The following is an entry in ClinVar:

NM_022356.4(P3H1):c.1709C>T (p.Thr570Ile)

Gene: P3H1 (prolyl 3-hydroxylase 1; minus strand). Cytogenetic location: 1p34.2.
Variant type: single nucleotide variant.
Coding change: c.1709C>T on transcript NM_022356.4 (MANE Select); coding-DNA position 1709, C replaced by T.
Protein change: p.Thr570Ile; replaces threonine 570 with isoleucine.
Molecular consequence: missense variant.
Genome position (GRCh38, 1-based): chr1:42,750,197, G>A on the plus strand (C>T on the coding strand, the complement: P3H1 is on the minus strand). VCF-style: chr1-42750197-G-A. GRCh37 (hg19) VCF-style: chr1-43215868-G-A.
Other names: c.1709C>T, p.Thr570Ile (NM_001146289.2, NM_001243246.2); short protein forms T570I.
Identifiers: ClinVar variation 2146653 (VCV002146653.4), dbSNP rs746075622, ClinGen allele CA801734.
Genomic context (GRCh38, chr1:42,750,197, plus strand): 5'-CTGAGGTACAGCATGCGGGGGCGGGTGCTGCAGGGGTAATGAGGCCCACCTTCGATGGCA[G>A]TGCGGCACACCAGATGAGAGTAGGAAAAGTAGAGGGGCGTATCCAGGCGGAAGTAGGACT-3'
Protein context (NP_071751.3, residues 560-580): YFSYSHLVCR[Thr570Ile]AIEEVQAERK

ClinVar aggregate classification (germline): Uncertain significance (1 of 4 stars; one submission).

Conditions:
Osteogenesis imperfecta type 8 (OI8). Identifiers: MedGen C1970458, MONDO:0012581, OMIM 610915.

Allele frequency attached by ClinVar (database versions not stated): gnomAD exomes below 0.00001; TOPMed below 0.00001; ExAC 0.00001.
gnomAD v4.1: 1 of 1,612,490 alleles (0.000062%); highest among the groups gnomAD compares: Non-Finnish European, 0.000085%; no homozygotes.

Submission:

Labcorp Genetics (formerly Invitae), Labcorp
Classification: Uncertain significance for Osteogenesis imperfecta type 8. Last evaluated: 2024-05-15. Review status: criteria provided, single submitter. Criteria: Invitae Variant Classification Sherloc (09022015). Collection method: clinical testing. Allele origin: germline.
Comment: This sequence change replaces threonine, which is neutral and polar, with isoleucine, which is neutral and non-polar, at codon 570 of the P3H1 protein (p.Thr570Ile). This variant is present in population databases (rs746075622, gnomAD 0.0009%). This variant has not been reported in the literature in individuals affected with P3H1-related conditions. ClinVar contains an entry for this variant (Variation ID: 2146653). Advanced modeling of protein sequence and biophysical properties (such as structural, functional, and spatial information, amino acid conservation, physicochemical variation, residue mobility, and thermodynamic stability) performed at Invitae indicates that this missense variant is expected to disrupt P3H1 protein function with a positive predictive value of 80%. In summary, the available evidence is currently insufficient to determine the role of this variant in disease. Therefore, it has been classified as a Variant of Uncertain Significance.